The following is an entry in ClinVar:

NM_000395.3(CSF2RB):c.790G>A (p.Val264Met)

Gene: CSF2RB (colony stimulating factor 2 receptor subunit beta; plus strand). Cytogenetic location: 22q12.3.
Variant type: single nucleotide variant.
Coding change: c.790G>A on transcript NM_000395.3 (MANE Select); coding-DNA position 790, G replaced by A.
Protein change: p.Val264Met; replaces valine 264 with methionine.
Molecular consequence: missense variant.
Genome position (GRCh38, 1-based): chr22:36,930,446, G>A. VCF-style: chr22-36930446-G-A. GRCh37 (hg19) VCF-style: chr22-37326488-G-A.
Other names: c.790G>A, p.Val264Met (NM_001410827.1); short protein forms V264M.
Identifiers: ClinVar variation 2805888 (VCV002805888.3), dbSNP rs772126395, ClinGen allele CA411407521.

ClinVar aggregate classification (germline): Uncertain significance (1 of 4 stars; one submission).

Submission:

Labcorp Genetics (formerly Invitae), Labcorp
Classification: Uncertain significance. Last evaluated: 2023-08-16. Review status: criteria provided, single submitter. Criteria: Invitae Variant Classification Sherloc (09022015). Collection method: clinical testing. Allele origin: germline.
Comment: This variant has not been reported in the literature in individuals affected with CSF2RB-related conditions. This variant is not present in population databases (gnomAD no frequency). This sequence change replaces valine, which is neutral and non-polar, with methionine, which is neutral and non-polar, at codon 264 of the CSF2RB protein (p.Val264Met). In summary, the available evidence is currently insufficient to determine the role of this variant in disease. Therefore, it has been classified as a Variant of Uncertain Significance. Advanced modeling of protein sequence and biophysical properties (such as structural, functional, and spatial information, amino acid conservation, physicochemical variation, residue mobility, and thermodynamic stability) performed at Invitae indicates that this missense variant is expected to disrupt CSF2RB protein function.